The following is an entry in ClinVar:

NM_006231.4(POLE):c.6626A>G (p.Lys2209Arg)

Gene: POLE (DNA polymerase epsilon, catalytic subunit; minus strand). Cytogenetic location: 12q24.33.
Variant type: single nucleotide variant.
Coding change: c.6626A>G on transcript NM_006231.4 (MANE Select); coding-DNA position 6626, A replaced by G.
Protein change: p.Lys2209Arg; replaces lysine 2209 with arginine.
Molecular consequence: missense variant.
Genome position (GRCh38, 1-based): chr12:132,625,676, T>C on the plus strand (A>G on the coding strand, the complement: POLE is on the minus strand). VCF-style: chr12-132625676-T-C. GRCh37 (hg19) VCF-style: chr12-133202262-T-C.
Other names: short protein forms K2209R.
Identifiers: ClinVar variation 2114411 (VCV002114411.4), dbSNP rs1224027478, ClinGen allele CA387366519.

ClinVar aggregate classification (germline): Uncertain significance (1 of 4 stars; one submission).

Allele frequency attached by ClinVar (database versions not stated): gnomAD exomes below 0.00001; gnomAD 0.00001; TOPMed below 0.00001.

Submission:

Labcorp Genetics (formerly Invitae), Labcorp
Classification: Uncertain significance. Last evaluated: 2022-03-19. Review status: criteria provided, single submitter. Criteria: Invitae Variant Classification Sherloc (09022015). Collection method: clinical testing. Allele origin: germline.
Comment: This sequence change replaces lysine, which is basic and polar, with arginine, which is basic and polar, at codon 2209 of the POLE protein (p.Lys2209Arg). This variant is not present in population databases (gnomAD no frequency). This variant has not been reported in the literature in individuals affected with POLE-related conditions. Algorithms developed to predict the effect of missense changes on protein structure and function output the following: SIFT: "Tolerated"; PolyPhen-2: "Benign"; Align-GVGD: "Class C0". The arginine amino acid residue is found in multiple mammalian species, which suggests that this missense change does not adversely affect protein function. In summary, the available evidence is currently insufficient to determine the role of this variant in disease. Therefore, it has been classified as a Variant of Uncertain Significance.